The following is an entry in ClinVar:

NM_006904.7(PRKDC):c.385G>T (p.Asp129Tyr)

Gene: PRKDC (protein kinase, DNA-activated, catalytic subunit; minus strand). Cytogenetic location: 8q11.21.
Variant type: single nucleotide variant.
Coding change: c.385G>T on transcript NM_006904.7 (MANE Select); coding-DNA position 385, G replaced by T.
Protein change: p.Asp129Tyr; replaces aspartic acid 129 with tyrosine.
Molecular consequence: missense variant.
Genome position (GRCh38, 1-based): chr8:47,955,888, C>A on the plus strand (G>T on the coding strand, the complement: PRKDC is on the minus strand). VCF-style: chr8-47955888-C-A. GRCh37 (hg19) VCF-style: chr8-48868448-C-A.
Other names: c.385G>T, p.Asp129Tyr (NM_001081640.2); short protein forms D129Y.
Identifiers: ClinVar variation 3425264 (VCV003425264.1).

ClinVar aggregate classification (germline): Uncertain significance (1 of 4 stars; one submission).

Submission:

Ambry Genetics
Classification: Uncertain significance. Last evaluated: 2024-07-02. Review status: criteria provided, single submitter. Criteria: Ambry Variant Classification Scheme 2023. Collection method: clinical testing. Allele origin: germline.
Comment: The p.D129Y variant (also known as c.385G>T), located in coding exon 4 of the PRKDC gene, results from a G to T substitution at nucleotide position 385. The aspartic acid at codon 129 is replaced by tyrosine, an amino acid with highly dissimilar properties. This amino acid position is conserved. In addition, the in silico prediction for this alteration is inconclusive. Based on the available evidence, the clinical significance of this variant remains unclear.